The following is an entry in ClinVar:

ClinVar aggregate classification (germline): Uncertain significance (1 of 4 stars; one submission).

Conditions:
Hereditary cancer-predisposing syndrome. Also called: Neoplastic Syndromes, Hereditary; Tumor predisposition; Hereditary neoplastic syndrome; Hereditary Cancer Syndrome. Identifiers: Orphanet 140162, MedGen C0027672, MeSH D009386, MONDO:0015356.

Submission:

Ambry Genetics
Classification: Uncertain significance for Hereditary cancer-predisposing syndrome. Last evaluated: 2026-07-07. Review status: criteria provided, single submitter. Criteria: Ambry Variant Classification Scheme 2023. Collection method: clinical testing. Allele origin: germline.
Comment: The p.E102G variant (also known as c.305A>G), located in coding exon 1 of the AXIN2 gene, results from an A to G substitution at nucleotide position 305. The glutamic acid at codon 102 is replaced by glycine, an amino acid with similar properties. This amino acid position is conserved. In addition, this alteration is predicted to be tolerated by in silico analysis. Based on the available evidence, the clinical significance of this variant remains unclear.

NM_004655.4(AXIN2):c.305A>G (p.Glu102Gly)

Gene: AXIN2 (axin 2; minus strand). Cytogenetic location: 17q24.1.
Variant type: single nucleotide variant.
Coding change: c.305A>G on transcript NM_004655.4 (MANE Select); coding-DNA position 305, A replaced by G.
Protein change: p.Glu102Gly; replaces glutamic acid 102 with glycine.
Molecular consequence: missense variant.
Genome position (GRCh38, 1-based): chr17:65,558,316, T>C on the plus strand (A>G on the coding strand, the complement: AXIN2 is on the minus strand). VCF-style: chr17-65558316-T-C. GRCh37 (hg19) VCF-style: chr17-63554434-T-C.
Other names: c.305A>G, p.Glu102Gly (NM_001363813.1); short protein forms E102G.
Identifiers: ClinVar variation 5032652 (VCV005032652.1).